The following is an entry in ClinVar:

ClinVar aggregate classification (germline): Uncertain significance. Review status: criteria provided, multiple submitters, no conflicts (2 of 4 stars). 3 submissions from 3 submitters: Uncertain significance (3). Last evaluated 2024-05-20.

Conditions:
Emery-Dreifuss muscular dystrophy 5, autosomal dominant (EDMD5). Also called: EMERY-DREIFUSS MUSCULAR DYSTROPHY 5. Identifiers: Orphanet 261, MedGen C2751805, MONDO:0013072, OMIM 612999.

Allele frequency attached by ClinVar (database versions not stated): TOPMed 0.00001; gnomAD exomes 0.00003.
gnomAD v4.1: 41 of 1,614,124 alleles (0.0025%); highest among the groups gnomAD compares: Non-Finnish European, 0.0035%; no homozygotes.

Submissions (3):

Ambry Genetics
Classification: Uncertain significance. Last evaluated: 2024-05-20. Review status: criteria provided, single submitter. Criteria: Ambry Variant Classification Scheme 2023. Collection method: clinical testing. Allele origin: germline.

Revvity Omics, Revvity
Classification: Uncertain significance for Emery-Dreifuss muscular dystrophy 5, autosomal dominant. Last evaluated: 2023-06-01. Review status: criteria provided, single submitter. Criteria: ACMG Guidelines, 2015. Collection method: clinical testing. Allele origin: germline.

Labcorp Genetics (formerly Invitae), Labcorp
Classification: Uncertain significance for Emery-Dreifuss muscular dystrophy 5, autosomal dominant. Last evaluated: 2019-08-19. Review status: criteria provided, single submitter. Criteria: Invitae Variant Classification Sherloc (09022015). Collection method: clinical testing. Allele origin: germline.
Comment: This sequence change replaces valine with glycine at codon 4119 of the SYNE2 protein (p.Val4119Gly). The valine residue is weakly conserved and there is a moderate physicochemical difference between valine and glycine. This variant is not present in population databases (ExAC no frequency). This variant has not been reported in the literature in individuals with SYNE2-related conditions. Algorithms developed to predict the effect of missense changes on protein structure and function (SIFT, PolyPhen-2, Align-GVGD) all suggest that this variant is likely to be tolerated, but these predictions have not been confirmed by published functional studies and their clinical significance is uncertain. In summary, the available evidence is currently insufficient to determine the role of this variant in disease. Therefore, it has been classified as a Variant of Uncertain Significance.

NM_182914.3(SYNE2):c.12356T>G (p.Val4119Gly)

Gene: SYNE2 (spectrin repeat containing nuclear envelope protein 2; plus strand). Cytogenetic location: 14q23.2.
Variant type: single nucleotide variant.
Coding change: c.12356T>G on transcript NM_182914.3 (MANE Select); coding-DNA position 12356, T replaced by G.
Protein change: p.Val4119Gly; replaces valine 4119 with glycine.
Molecular consequence: missense variant.
Genome position (GRCh38, 1-based): chr14:64,098,796, T>G. VCF-style: chr14-64098796-T-G. GRCh37 (hg19) VCF-style: chr14-64565514-T-G.
Other names: c.12356T>G, p.Val4119Gly (NM_015180.6); short protein forms V4119G.
Identifiers: ClinVar variation 938359 (VCV000938359.12), dbSNP rs932903871, ClinGen allele CA261821409.